The following is an entry in ClinVar:

ClinVar aggregate classification (germline): Uncertain significance. Review status: criteria provided, multiple submitters, no conflicts (2 of 4 stars). 3 submissions from 3 submitters: Uncertain significance (3). Last evaluated 2023-08-30.

Conditions:
Developmental and epileptic encephalopathy, 23 (DEE23). Also called: Epileptic encephalopathy, early infantile, 23. Identifiers: Orphanet 411986, MedGen C4014492, MONDO:0014371, OMIM 615859.

Allele frequency attached by ClinVar (database versions not stated): gnomAD exomes 0.00001 and 0.00002; gnomAD 0.00002; TOPMed 0.00002.
gnomAD v4.1: 34 of 1,606,562 alleles (0.0021%); highest among the groups gnomAD compares: Non-Finnish European, 0.0025%; no homozygotes.

Submissions (3):

Labcorp Genetics (formerly Invitae), Labcorp
Classification: Uncertain significance for Developmental and epileptic encephalopathy, 23. Last evaluated: 2023-08-30. Review status: criteria provided, single submitter. Criteria: Invitae Variant Classification Sherloc (09022015). Collection method: clinical testing. Allele origin: germline.
Comment: This sequence change replaces valine, which is neutral and non-polar, with alanine, which is neutral and non-polar, at codon 267 of the DOCK7 protein (p.Val267Ala). This variant is present in population databases (rs749548343, gnomAD 0.008%). This variant has not been reported in the literature in individuals affected with DOCK7-related conditions. ClinVar contains an entry for this variant (Variation ID: 1429663). Advanced modeling of protein sequence and biophysical properties (such as structural, functional, and spatial information, amino acid conservation, physicochemical variation, residue mobility, and thermodynamic stability) performed at Invitae indicates that this missense variant is not expected to disrupt DOCK7 protein function. In summary, the available evidence is currently insufficient to determine the role of this variant in disease. Therefore, it has been classified as a Variant of Uncertain Significance.

Genome-Nilou Lab
Classification: Uncertain significance for Developmental and epileptic encephalopathy, 23. Last evaluated: 2023-04-11. Review status: criteria provided, single submitter. Criteria: ACMG Guidelines, 2015. Collection method: clinical testing. Allele origin: germline. Affected: no.

Fulgent Genetics
Classification: Uncertain significance for Developmental and epileptic encephalopathy, 23. Last evaluated: 2021-12-08. Review status: criteria provided, single submitter. Criteria: ACMG Guidelines, 2015. Collection method: clinical testing. Allele origin: unknown.

NM_001367561.1(DOCK7):c.800T>C (p.Val267Ala)

Gene: DOCK7 (dedicator of cytokinesis 7; minus strand). Cytogenetic location: 1p31.3.
Variant type: single nucleotide variant.
Coding change: c.800T>C on transcript NM_001367561.1 (MANE Select); coding-DNA position 800, T replaced by C.
Protein change: p.Val267Ala; replaces valine 267 with alanine.
Molecular consequence: missense variant.
Genome position (GRCh38, 1-based): chr1:62,647,709, A>G on the plus strand (T>C on the coding strand, the complement: DOCK7 is on the minus strand). VCF-style: chr1-62647709-A-G. GRCh37 (hg19) VCF-style: chr1-63113380-A-G.
Other names: c.800T>C, p.Val267Ala (NM_001271999.2, NM_001272000.2, NM_001272001.2 and 3 more transcripts); short protein forms V267A.
Identifiers: ClinVar variation 1429663 (VCV001429663.6), dbSNP rs749548343, ClinGen allele CA23789748.